The following is an entry in ClinVar:

ClinVar aggregate classification (germline): Likely benign (0 of 4 stars; one submission).

Conditions:
MRAP2-related disorder. Also called: MRAP2-related condition.

Allele frequency attached by ClinVar (database versions not stated): ExAC 0.00001.
gnomAD v4.1: 2 of 1,613,842 alleles (0.00012%); highest among the groups gnomAD compares: South Asian, 0.0022%; no homozygotes.

Submission:

PreventionGenetics, part of Exact Sciences
Classification: Likely benign for MRAP2-related condition. Last evaluated: 2021-08-11. Review status: no assertion criteria provided. Collection method: clinical testing. Allele origin: germline.
Comment: This variant is classified as likely benign based on ACMG/AMP sequence variant interpretation guidelines (Richards et al. 2015 PMID: 25741868, with internal and published modifications).

NM_138409.4(MRAP2):c.585A>T (p.Pro195=)

Gene: MRAP2 (melanocortin 2 receptor accessory protein 2; plus strand). Cytogenetic location: 6q14.2.
Variant type: single nucleotide variant.
Coding change: c.585A>T on transcript NM_138409.4 (MANE Select); coding-DNA position 585, A replaced by T.
Protein change: p.Pro195=; no amino-acid change (proline 195 retained).
Molecular consequence: synonymous variant.
Genome position (GRCh38, 1-based): chr6:84,089,448, A>T. VCF-style: chr6-84089448-A-T. GRCh37 (hg19) VCF-style: chr6-84799167-A-T.
Other names: c.327A>T, p.Pro109= (NM_001346541.2); c.585A>T, p.Pro195= (NM_001346542.2, NM_001346544.2); c.420A>T, p.Pro140= (NM_001346543.2).
Identifiers: ClinVar variation 3057030 (VCV003057030.2), dbSNP rs766635074, ClinGen allele CA3909682.